The following is an entry in ClinVar:

ClinVar aggregate classification (germline): Uncertain significance (1 of 4 stars; one submission).

Conditions:
Inborn genetic diseases. Identifiers: MedGen C0950123, MeSH D030342.

Submission:

Ambry Genetics
Classification: Uncertain significance for Inborn genetic diseases. Last evaluated: 2026-01-12. Review status: criteria provided, single submitter. Criteria: Ambry Variant Classification Scheme 2023. Collection method: clinical testing. Allele origin: germline.
Comment: The p.K1732E variant (also known as c.5194A>G), located in coding exon 20 of the FANCM gene, results from an A to G substitution at nucleotide position 5194. The lysine at codon 1732 is replaced by glutamic acid, an amino acid with similar properties. This amino acid position is conserved. In addition, this alteration is predicted to be tolerated by in silico analysis. Based on the available evidence, the clinical significance of this variant remains unclear.

NM_020937.4(FANCM):c.5194A>G (p.Lys1732Glu)

Gene: FANCM (FA complementation group M; plus strand). Cytogenetic location: 14q21.2.
Variant type: single nucleotide variant.
Coding change: c.5194A>G on transcript NM_020937.4 (MANE Select); coding-DNA position 5194, A replaced by G.
Protein change: p.Lys1732Glu; replaces lysine 1732 with glutamic acid.
Molecular consequence: missense variant.
Genome position (GRCh38, 1-based): chr14:45,189,216, A>G. VCF-style: chr14-45189216-A-G. GRCh37 (hg19) VCF-style: chr14-45658419-A-G.
Other names: c.5116A>G, p.Lys1706Glu (NM_001308133.2); short protein forms K1732E, K1706E.
Identifiers: ClinVar variation 4841771 (VCV004841771.1).
Genomic context (GRCh38, chr14:45,189,216, plus strand): 5'-TCTTCTGCGCAGTCCAAGGTGCGTTCTACTCCAAGAGTTAATCCATTAGCAAAGCAGAGC[A>G]AACAGACATCGCTGAATTTAAAGGATACAATTTCCGAAGTCTCAGACTTCAAACCTCAGA-3'
Protein context (NP_065988.1, residues 1722-1742): PRVNPLAKQS[Lys1732Glu]QTSLNLKDTI